The following is an entry in ClinVar:

NM_001035.3(RYR2):c.14000G>T (p.Ser4667Ile)

Gene: RYR2 (ryanodine receptor 2; plus strand). Cytogenetic location: 1q43.
Variant type: single nucleotide variant.
Coding change: c.14000G>T on transcript NM_001035.3 (MANE Select); coding-DNA position 14000, G replaced by T.
Protein change: p.Ser4667Ile; replaces serine 4667 with isoleucine.
Molecular consequence: missense variant.
Genome position (GRCh38, 1-based): chr1:237,798,080, G>T. VCF-style: chr1-237798080-G-T. GRCh37 (hg19) VCF-style: chr1-237961380-G-T.
Other names: c.14000G>T, p.Ser4667Ile (LRG_402t1); short protein forms S4667I.
Identifiers: ClinVar variation 390770 (VCV000390770.11), dbSNP rs1057523888, ClinGen allele CA16603625.

ClinVar aggregate classification (germline): Uncertain significance. Review status: criteria provided, multiple submitters, no conflicts (2 of 4 stars). 2 submissions from 2 submitters: Uncertain significance (2). Last evaluated 2017-12-01.

Conditions:
Catecholaminergic polymorphic ventricular tachycardia 1. Also called: RYR2-Related Catecholaminergic Polymorphic Ventricular Tachycardia; VENTRICULAR TACHYCARDIA, CATECHOLAMINERGIC POLYMORPHIC, 1, WITH OR WITHOUT ATRIAL DYSFUNCTION AND/OR DILATED CARDIOMYOPATHY; VENTRICULAR TACHYCARDIA, STRESS-INDUCED POLYMORPHIC 1. Identifiers: Orphanet 3286, MedGen C1631597, MONDO:0011484, OMIM 604772.

Submissions (2):

GeneDx
Classification: Uncertain significance. Last evaluated: 2017-12-01. Review status: criteria provided, single submitter. Criteria: GeneDx Variant Classification (06012015). Collection method: clinical testing. Allele origin: germline. Affected: yes.
Comment: A variant of uncertain significance has been identified in the RYR2 gene. The S4667I variant has not been published as pathogenic or been reported as benign to our knowledge. This variant is also not observed in large population cohorts (Lek et al., 2016). In-silico analyses, including protein predictors and evolutionary conservation, support a deleterious effect. Additionally, the S4667I variant is located in one of the three hot-spot regions of the RYR2 gene, where the majority of pathogenic missense variants occur (Medeiros-Domingo et al., 2009). Nevertheless, this variant has not been observed in a significant number of affected individuals, and it lacks both large segregation studies and functional evidence which would further clarify its pathogenicity.

Labcorp Genetics (formerly Invitae), Labcorp
Classification: Uncertain significance for Catecholaminergic polymorphic ventricular tachycardia 1. Last evaluated: 2017-10-10. Review status: criteria provided, single submitter. Criteria: Invitae Variant Classification Sherloc (09022015). Collection method: clinical testing. Allele origin: germline.
Comment: This variant occurs within one of the three regions of the RYR2 gene (N-terminal domain, central domain, or channel region) where other pathogenic variants have been reported to cluster (PMID: 19926015). In summary, the available evidence is currently insufficient to determine the role of this variant in disease. Therefore, it has been classified as a Variant of Uncertain Significance. Algorithms developed to predict the effect of missense changes on protein structure and function do not agree on the potential impact of this missense change (SIFT: "Deleterious"; PolyPhen-2: "Possibly Damaging"; Align-GVGD: "Class C0"). This variant has not been reported in the literature in individuals with RYR2-related disease. ClinVar contains an entry for this variant (Variation ID: 390770). This variant is not present in population databases (ExAC no frequency). This sequence change replaces serine with isoleucine at codon 4667 of the RYR2 protein (p.Ser4667Ile). The serine residue is highly conserved and there is a large physicochemical difference between serine and isoleucine.

Literature cited by the submitters: PubMed 19926015 (cited by Labcorp Genetics (formerly Invitae), Labcorp).